The following is an entry in ClinVar:

NM_001142800.2(EYS):c.2023+5G>T

Gene: EYS (EGF-like photoreceptor maintenance factor; minus strand). Cytogenetic location: 6q12.
Variant type: single nucleotide variant.
Coding change: c.2023+5G>T on transcript NM_001142800.2 (MANE Select); 5 bases into the intron after coding-DNA position 2023, G replaced by T.
Molecular consequence: intron variant.
Genome position (GRCh38, 1-based): chr6:65,295,858, C>A on the plus strand (G>T on the coding strand, the complement: EYS is on the minus strand). VCF-style: chr6-65295858-C-A. GRCh37 (hg19) VCF-style: chr6-66005751-C-A.
Other names: c.2023+5G>T (NM_001292009.2).
Identifiers: ClinVar variation 636024 (VCV000636024.15), dbSNP rs1287889008, ClinGen allele CA568117506.

ClinVar aggregate classification (germline): Conflicting classifications of pathogenicity. Review status: criteria provided, conflicting classifications (1 of 4 stars). 5 submissions from 5 submitters: Likely pathogenic (2); Uncertain significance (2). 1 of the submissions does not count toward it. Last evaluated 2024-03-16.

Conditions:
Retinitis pigmentosa (RP). Identifiers: Orphanet 791, MedGen C0035334, MeSH D012174, MONDO:0019200, OMIM 268000. Inheritance: Autosomal dominant, autosomal recessive and X linked inheritance.
Retinitis pigmentosa 25 (RP25). Identifiers: Orphanet 791, MedGen C1864446, MONDO:0011272, OMIM 602772.

Submissions (6):

Baylor Genetics
Classification: Likely pathogenic for Retinitis pigmentosa 25. Last evaluated: 2024-03-16. Review status: criteria provided, single submitter. Criteria: ACMG Guidelines, 2015. Collection method: clinical testing. Allele origin: unknown.

GeneDx
Classification: Uncertain significance. Last evaluated: 2023-10-14. Review status: criteria provided, single submitter. Criteria: GeneDx Variant Classification Process June 2021. Collection method: clinical testing. Allele origin: germline. Affected: yes.
Comment: Reported with a second EYS variant, phase unknown, in patients with retinitis pigmentosa; however, these individuals also harbored variants in other genes associated with retinal dystrophy (Jespersgaard et al., 2019); Intronic +5 splice site variant in a gene for which loss of function is a known mechanism of disease, and both splice predictors and evolutionary conservation support a deleterious effect, although in the absence of functional evidence the actual effect of this sequence change is unknown.; This variant is associated with the following publications: (PMID: 30718709)

Labcorp Genetics (formerly Invitae), Labcorp
Classification: Likely pathogenic. Last evaluated: 2023-08-14. Review status: criteria provided, single submitter. Criteria: Invitae Variant Classification Sherloc (09022015). Collection method: clinical testing. Allele origin: germline.
Comment: This sequence change falls in intron 12 of the EYS gene. It does not directly change the encoded amino acid sequence of the EYS protein. It affects a nucleotide within the consensus splice site. The frequency data for this variant in the population databases is considered unreliable, as metrics indicate poor data quality at this position in the gnomAD database. This variant has been observed in individuals with retinitis pigmentosa (PMID: 30718709; Invitae). ClinVar contains an entry for this variant (Variation ID: 636024). Variants that disrupt the consensus splice site are a relatively common cause of aberrant splicing (PMID: 17576681, 9536098). Algorithms developed to predict the effect of sequence changes on RNA splicing suggest that this variant may disrupt the consensus splice site. In summary, the currently available evidence indicates that the variant is pathogenic, but additional data are needed to prove that conclusively. Therefore, this variant has been classified as Likely Pathogenic.

DBGen Ocular Genomics
Classification: Uncertain significance for Retinitis pigmentosa 25. Last evaluated: 2021-06-11. Review status: criteria provided, single submitter. Criteria: ACMG Guidelines, 2015. Collection method: clinical testing. Allele origin: germline. Affected: yes. Observed: 1 variant allele.

Department of Clinical Genetics, Copenhagen University Hospital, Rigshospitalet
Classification: Uncertain significance for Retinitis pigmentosa. Last evaluated: 2018-04-01. Review status: no assertion criteria provided. Collection method: research. Allele origin: unknown. Affected: yes. Study: VeluxRD. Not counted in ClinVar's aggregate classification.

Dr. Peter K. Rogan Lab, Western University
No classification provided (evidence only). Condition: Sarcoma. Review status: no classification provided. Collection method: in vitro. Allele origin: not applicable. Functional consequence: retained intron. Not counted in ClinVar's aggregate classification.

Literature cited by the submitters: PubMed 30718709 (cited by Labcorp Genetics (formerly Invitae), Labcorp and Department of Clinical Genetics, Copenhagen University Hospital, Rigshospitalet); PubMed 17576681 (cited by Labcorp Genetics (formerly Invitae), Labcorp); PubMed 9536098 (cited by Labcorp Genetics (formerly Invitae), Labcorp).